The following is an entry in ClinVar:

NM_177438.3(DICER1):c.1729A>C (p.Lys577Gln)

Gene: DICER1 (dicer 1, ribonuclease III; minus strand). Cytogenetic location: 14q32.13.
Variant type: single nucleotide variant.
Coding change: c.1729A>C on transcript NM_177438.3 (MANE Select); coding-DNA position 1729, A replaced by C.
Protein change: p.Lys577Gln; replaces lysine 577 with glutamine.
Molecular consequence: missense variant. On other transcripts: non-coding transcript variant (6).
Genome position (GRCh38, 1-based): chr14:95,116,476, T>G on the plus strand (A>C on the coding strand, the complement: DICER1 is on the minus strand). VCF-style: chr14-95116476-T-G. GRCh37 (hg19) VCF-style: chr14-95582813-T-G.
Other names: c.1729A>C, p.Lys577Gln (NM_001195573.1, NM_001271282.3, NM_001291628.2 and 12 more transcripts); c.1447A>C, p.Lys483Gln (NM_001395686.1); c.1324A>C, p.Lys442Gln (NM_001395687.1, NM_001395688.1, NM_001395689.1 and 3 more transcripts); c.1162A>C, p.Lys388Gln (NM_001395691.1); c.46A>C, p.Lys16Gln (NM_001395697.1); short protein forms K388Q, K442Q, K577Q, K16Q, K483Q.
Identifiers: ClinVar variation 4637186 (VCV004637186.1).

ClinVar aggregate classification (germline): Uncertain significance (1 of 4 stars; one submission).

Conditions:
Hereditary cancer-predisposing syndrome. Also called: Neoplastic Syndromes, Hereditary; Tumor predisposition; Hereditary Cancer Syndrome; Hereditary neoplastic syndrome. Identifiers: Orphanet 140162, MedGen C0027672, MeSH D009386, MONDO:0015356.

Submission:

Ambry Genetics
Classification: Uncertain significance for Hereditary cancer-predisposing syndrome. Last evaluated: 2025-10-16. Review status: criteria provided, single submitter. Criteria: Ambry Variant Classification Scheme 2023. Collection method: clinical testing. Allele origin: germline.
Comment: The p.K577Q variant (also known as c.1729A>C), located in coding exon 9 of the DICER1 gene, results from an A to C substitution at nucleotide position 1729. The lysine at codon 577 is replaced by glutamine, an amino acid with similar properties. This amino acid position is conserved. In addition, this alteration is predicted to be tolerated by in silico analysis. Based on the available evidence, the clinical significance of this variant remains unclear.